The following is an entry in ClinVar:

ClinVar aggregate classification (germline): Uncertain significance. Review status: criteria provided, multiple submitters, no conflicts (2 of 4 stars). 2 submissions from 2 submitters: Uncertain significance (2). Last evaluated 2023-03-16.

Conditions:
Wilms tumor 6 (WT6). Also called: WILMS TUMOR 6, SUSCEPTIBILITY TO. Identifiers: Orphanet 654, MedGen C3891301, MONDO:0014779, OMIM 616806.

Allele frequency attached by ClinVar (database versions not stated): gnomAD 0.00001; ExAC 0.00003.

Submissions (2):

Labcorp Genetics (formerly Invitae), Labcorp
Classification: Uncertain significance. Last evaluated: 2023-03-16. Review status: criteria provided, single submitter. Criteria: Invitae Variant Classification Sherloc (09022015). Collection method: clinical testing. Allele origin: germline.
Comment: In summary, the available evidence is currently insufficient to determine the role of this variant in disease. Therefore, it has been classified as a Variant of Uncertain Significance. An algorithm developed to predict the effect of missense changes on protein structure and function (PolyPhen-2) suggests that this variant is likely to be tolerated. ClinVar contains an entry for this variant (Variation ID: 1025535). This variant has not been reported in the literature in individuals affected with REST-related conditions. This variant is present in population databases (rs754696564, gnomAD 0.01%). This sequence change replaces valine, which is neutral and non-polar, with leucine, which is neutral and non-polar, at codon 547 of the REST protein (p.Val547Leu).

St. Jude Molecular Pathology, St. Jude Children's Research Hospital
Classification: Uncertain significance for Wilms tumor 6. Last evaluated: 2022-05-24. Review status: criteria provided, single submitter. Criteria: St. Jude Assertion Criteria 2020. Collection method: clinical testing. Allele origin: germline.
Comment: The REST c.1639G>T (p.Val547Leu) missense change has a maximum subpopulation frequency of 0.010% in gnomAD v2.1.1. It is predicted to have a benign effect on protein function (BP4), but to our knowledge this prediction has not been confirmed by functional studies. To our knowledge, this variant has not been reported in individuals with a personal or family history of Wilms tumor. In summary, this variant meets criteria to be classified as of uncertain significance based on the ACMG/AMP criteria: BP4.

NM_005612.5(REST):c.1639G>T (p.Val547Leu)

Gene: REST (RE1 silencing transcription factor; plus strand). Cytogenetic location: 4q12.
Variant type: single nucleotide variant.
Coding change: c.1639G>T on transcript NM_005612.5 (MANE Select); coding-DNA position 1639, G replaced by T.
Protein change: p.Val547Leu; replaces valine 547 with leucine.
Molecular consequence: missense variant.
Genome position (GRCh38, 1-based): chr4:56,930,497, G>T. VCF-style: chr4-56930497-G-T. GRCh37 (hg19) VCF-style: chr4-57796663-G-T.
Other names: c.1639G>T, p.Val547Leu (NM_001193508.2, NM_001363453.3); short protein forms V547L.
Identifiers: ClinVar variation 1025535 (VCV001025535.12), dbSNP rs754696564, ClinGen allele CA2932295.